The following is an entry in ClinVar:

NM_000288.4(PEX7):c.883A>G (p.Ser295Gly)

Gene: PEX7 (peroxisomal biogenesis factor 7; plus strand). Cytogenetic location: 6q23.3.
Variant type: single nucleotide variant.
Coding change: c.883A>G on transcript NM_000288.4 (MANE Select); coding-DNA position 883, A replaced by G.
Protein change: p.Ser295Gly; replaces serine 295 with glycine.
Molecular consequence: missense variant.
Genome position (GRCh38, 1-based): chr6:136,898,221, A>G. VCF-style: chr6-136898221-A-G. GRCh37 (hg19) VCF-style: chr6-137219359-A-G.
Other names: c.769A>G, p.Ser257Gly (NM_001410945.1); short protein forms S257G, S295G.
Identifiers: ClinVar variation 2152023 (VCV002152023.4), dbSNP rs1459591337, ClinGen allele CA365766800.

ClinVar aggregate classification (germline): Uncertain significance (1 of 4 stars; one submission).

Conditions:
Peroxisome biogenesis disorder 9B. Also called: PEX7-Related Refsum Disease; Refsum disease, adult, 2; PEROXISOME BIOGENESIS DISORDER, PEX7-RELATED, ATYPICAL. Identifiers: Orphanet 773, MedGen C2749346, MONDO:0013945, OMIM 614879.

gnomAD v4.1: 4 of 1,600,032 alleles (0.00025%); highest among the groups gnomAD compares: Non-Finnish European, 0.00034%; no homozygotes.

Submission:

Labcorp Genetics (formerly Invitae), Labcorp
Classification: Uncertain significance for Peroxisome biogenesis disorder 9B. Last evaluated: 2022-03-29. Review status: criteria provided, single submitter. Criteria: Invitae Variant Classification Sherloc (09022015). Collection method: clinical testing. Allele origin: germline.
Comment: This variant has not been reported in the literature in individuals affected with PEX7-related conditions. This variant is not present in population databases (gnomAD no frequency). This sequence change replaces serine, which is neutral and polar, with glycine, which is neutral and non-polar, at codon 295 of the PEX7 protein (p.Ser295Gly). Algorithms developed to predict the effect of missense changes on protein structure and function are either unavailable or do not agree on the potential impact of this missense change (SIFT: "Deleterious"; PolyPhen-2: "Possibly Damaging"; Align-GVGD: "Class C0"). In summary, the available evidence is currently insufficient to determine the role of this variant in disease. Therefore, it has been classified as a Variant of Uncertain Significance.